The following is an entry in ClinVar:

NM_014727.3(KMT2B):c.8053_8054delinsCT (p.Glu2685Leu)

Gene: KMT2B (lysine methyltransferase 2B; plus strand). Cytogenetic location: 19q13.12.
Variant type: Indel.
Coding change: c.8053_8054delinsCT on transcript NM_014727.3 (MANE Select); coding-DNA positions 8053 to 8054, GA replaced by CT.
Protein change: p.Glu2685Leu; replaces glutamic acid 2685 with leucine.
Molecular consequence: missense variant.
Genome position (GRCh38, 1-based): chr19:35,738,462-35,738,463, GA replaced by CT. VCF-style: chr19-35738462-GA-CT. GRCh37 (hg19) VCF-style: chr19-36229363-GA-CT.
Other names: short protein forms E2685L.
Identifiers: ClinVar variation 3252576 (VCV003252576.1), dbSNP rs2513370513.

ClinVar aggregate classification (germline): Uncertain significance (1 of 4 stars; one submission).

Submission:

GeneDx
Classification: Uncertain significance. Last evaluated: 2023-12-08. Review status: criteria provided, single submitter. Criteria: GeneDx Variant Classification Process June 2021. Collection method: clinical testing. Allele origin: germline. Affected: yes.
Comment: Not observed at significant frequency in large population cohorts (gnomAD); In silico analysis supports a deleterious effect on protein structure/function; Has not been previously published as pathogenic or benign to our knowledge